The following is an entry in ClinVar:

NM_000553.6(WRN):c.1136A>G (p.Glu379Gly)

Gene: WRN (WRN RecQ like helicase; plus strand). Cytogenetic location: 8p12.
Variant type: single nucleotide variant.
Coding change: c.1136A>G on transcript NM_000553.6 (MANE Select); coding-DNA position 1136, A replaced by G.
Protein change: p.Glu379Gly; replaces glutamic acid 379 with glycine.
Molecular consequence: missense variant.
Genome position (GRCh38, 1-based): chr8:31,081,163, A>G. VCF-style: chr8-31081163-A-G. GRCh37 (hg19) VCF-style: chr8-30938679-A-G.
Other names: short protein forms E379G.
Identifiers: ClinVar variation 2767134 (VCV002767134.3), dbSNP rs2535911036, ClinGen allele CA370920900.
Genomic context (GRCh38, chr8:31,081,163, plus strand): 5'-GAGAAGATGTACTTGGAAATAAAGTGGAACGAAAAGAAGATGGATTTGAAGATGGAGTAG[A>G]AGACAACAAATTGAAAGAGAATATGGAAAGAGCTTGTTTGATGTCGTTAGATATTACAGA-3'
Protein context (NP_000544.2, residues 369-389): RKEDGFEDGV[Glu379Gly]DNKLKENMER

ClinVar aggregate classification (germline): Uncertain significance (1 of 4 stars; one submission).

Conditions:
Werner syndrome (WRN). Identifiers: Orphanet 902, MedGen C0043119, MONDO:0010196, OMIM 277700.

Submission:

Labcorp Genetics (formerly Invitae), Labcorp
Classification: Uncertain significance for Werner syndrome. Last evaluated: 2024-03-06. Review status: criteria provided, single submitter. Criteria: Invitae Variant Classification Sherloc (09022015). Collection method: clinical testing. Allele origin: germline.
Comment: This sequence change replaces glutamic acid, which is acidic and polar, with glycine, which is neutral and non-polar, at codon 379 of the WRN protein (p.Glu379Gly). This variant is not present in population databases (gnomAD no frequency). This variant has not been reported in the literature in individuals affected with WRN-related conditions. An algorithm developed to predict the effect of missense changes on protein structure and function (PolyPhen-2) suggests that this variant is likely to be tolerated. In summary, the available evidence is currently insufficient to determine the role of this variant in disease. Therefore, it has been classified as a Variant of Uncertain Significance.